The following is an entry in ClinVar:

NM_020706.2(SCAF4):c.218C>G (p.Ser73Cys)

Gene: SCAF4 (SR-related CTD associated factor 4; minus strand). Cytogenetic location: 21q22.11.
Variant type: single nucleotide variant.
Coding change: c.218C>G on transcript NM_020706.2 (MANE Select); coding-DNA position 218, C replaced by G.
Protein change: p.Ser73Cys; replaces serine 73 with cysteine.
Molecular consequence: missense variant.
Genome position (GRCh38, 1-based): chr21:31,703,868, G>C on the plus strand (C>G on the coding strand, the complement: SCAF4 is on the minus strand). VCF-style: chr21-31703868-G-C. GRCh37 (hg19) VCF-style: chr21-33076181-G-C.
Other names: c.173C>G, p.Ser58Cys (NM_001145444.1); c.218C>G, p.Ser73Cys (NM_001145445.1); short protein forms S58C, S73C.
Identifiers: ClinVar variation 5009949 (VCV005009949.1).

ClinVar aggregate classification (germline): Uncertain significance (1 of 4 stars; one submission).

Submission:

GeneDx
Classification: Uncertain significance. Last evaluated: 2026-02-23. Review status: criteria provided, single submitter. Criteria: GeneDx Variant Classification Process June 2021. Collection method: clinical testing. Allele origin: germline.
Comment: Not observed at significant frequency in large population cohorts (gnomAD); In silico analysis supports that this missense variant has a deleterious effect on protein structure/function; Has not been previously published as pathogenic or benign to our knowledge